The following is an entry in ClinVar:

ClinVar aggregate classification (germline): Uncertain significance (1 of 4 stars; one submission).

Conditions:
Chromosome 2q32-q33 deletion syndrome (GLASS). Also called: Glass syndrome; 2q33.1 deletion syndrome. Identifiers: Orphanet 251019, MedGen C2676739, MONDO:0012864, OMIM 612313.

Allele frequency attached by ClinVar (database versions not stated): gnomAD exomes below 0.00001; ExAC 0.00001; gnomAD 0.00001; TOPMed 0.00003; ESP Exome Variant Server 0.00008.
gnomAD v4.1: 3 of 1,613,994 alleles (0.00019%); highest among the groups gnomAD compares: African/African-American, 0.004%; no homozygotes.

Submission:

Labcorp Genetics (formerly Invitae), Labcorp
Classification: Uncertain significance for Chromosome 2q32-q33 deletion syndrome. Last evaluated: 2026-01-19. Review status: criteria provided, single submitter. Criteria: Invitae Variant Classification Sherloc (09022015). Collection method: clinical testing. Allele origin: germline.
Comment: This sequence change replaces alanine, which is neutral and non-polar, with glycine, which is neutral and non-polar, at codon 728 of the SATB2 protein (p.Ala728Gly). This variant is not present in population databases (gnomAD no frequency). This variant has not been reported in the literature in individuals affected with SATB2-related conditions. ClinVar contains an entry for this variant (Variation ID: 654229). Invitae Evidence Modeling incorporating data from in vitro experimental studies (internal data) indicates that this missense variant is not expected to disrupt SATB2 function with a negative predictive value of 95%. In summary, the available evidence is currently insufficient to determine the role of this variant in disease. Therefore, it has been classified as a Variant of Uncertain Significance.

NM_001172509.2(SATB2):c.2183C>G (p.Ala728Gly)

Genes: SATB2 (SATB homeobox 2; minus strand), LOC126806462 (MED14-independent group 3 enhancer GRCh37_chr2:200136608-200137807; plus strand). Cytogenetic location: 2q33.1.
Variant type: single nucleotide variant.
Coding change: c.2183C>G on transcript NM_001172509.2 (MANE Select); coding-DNA position 2183, C replaced by G.
Protein change: p.Ala728Gly; replaces alanine 728 with glycine.
Molecular consequence: missense variant.
Genome position (GRCh38, 1-based): chr2:199,272,230, G>C on the plus strand (C>G on the coding strand, the complement: SATB2 is on the minus strand). VCF-style: chr2-199272230-G-C. GRCh37 (hg19) VCF-style: chr2-200136953-G-C.
Other names: c.2183C>G, p.Ala728Gly (NM_001172517.1, NM_015265.4); short protein forms A728G.
Identifiers: ClinVar variation 654229 (VCV000654229.11), dbSNP rs140532313, ClinGen allele CA2045742.
Genomic context (GRCh38, chr2:199,272,230, plus strand): 5'-TCCTTGGACCGATGTATTGCTTTGCCTAGTAGAAGTTCACATTATCTCTGGTCAATTTCG[G>C]CAGGTGCTGCCTTGCTTTTGTCAGCATTTTCCTCCTCAGCCTCCACTTTGTACATCTCCT-3'
Protein context (NP_001165980.1, residues 718-733): ENADKSKAAP[Ala728Gly]EIDQR